The following is an entry in ClinVar:

NM_182914.3(SYNE2):c.20632_20634delinsGAA (p.Ser6878Glu)

Gene: SYNE2 (spectrin repeat containing nuclear envelope protein 2; plus strand). Cytogenetic location: 14q23.2.
Variant type: Indel.
Coding change: c.20632_20634delinsGAA on transcript NM_182914.3 (MANE Select); coding-DNA positions 20632 to 20634, TCC replaced by GAA.
Protein change: p.Ser6878Glu; replaces serine 6878 with glutamic acid.
Molecular consequence: missense variant.
Genome position (GRCh38, 1-based): chr14:64,225,434-64,225,436, TCC replaced by GAA. VCF-style: chr14-64225434-TCC-GAA. GRCh37 (hg19) VCF-style: chr14-64692152-TCC-GAA.
Other names: c.20566_20568delinsGAA, p.Ser6856Glu (NM_015180.6); c.1198_1200delinsGAA, p.Ser400Glu (NM_182910.2); c.1579_1581delinsGAA, p.Ser527Glu (NM_182913.4); c.20632_20634delTCCinsGAA (NM_182914.2); short protein forms S400E, S527E, S6856E, S6878E.
Identifiers: ClinVar variation 448630 (VCV000448630.9), dbSNP rs1555564487, ClinGen allele CA658658262.

ClinVar aggregate classification (germline): Conflicting classifications of pathogenicity. Review status: criteria provided, conflicting classifications (1 of 4 stars). 4 submissions from 4 submitters: Uncertain significance (3); Likely benign (1). Last evaluated 2026-07-01.

Conditions:
Emery-Dreifuss muscular dystrophy 5, autosomal dominant (EDMD5). Also called: EMERY-DREIFUSS MUSCULAR DYSTROPHY 5. Identifiers: Orphanet 261, MedGen C2751805, MONDO:0013072, OMIM 612999.

Submissions (4):

CeGaT Center for Human Genetics Tuebingen
Classification: Uncertain significance. Last evaluated: 2026-07-01. Review status: criteria provided, single submitter. Criteria: CeGaT Center For Human Genetics Tuebingen Variant Classification Criteria Version 2. Collection method: clinical testing. Allele origin: germline. Affected: yes. Observed: 1 variant allele.
Comment: SYNE2: PM2

Labcorp Genetics (formerly Invitae), Labcorp
Classification: Likely benign for Emery-Dreifuss muscular dystrophy 5, autosomal dominant. Last evaluated: 2024-02-17. Review status: criteria provided, single submitter. Criteria: Invitae Variant Classification Sherloc (09022015). Collection method: clinical testing. Allele origin: germline.

Fulgent Genetics
Classification: Uncertain significance for Emery-Dreifuss muscular dystrophy 5, autosomal dominant. Last evaluated: 2021-11-12. Review status: criteria provided, single submitter. Criteria: ACMG Guidelines, 2015. Collection method: clinical testing. Allele origin: unknown.

Athena Diagnostics
Classification: Uncertain significance. Last evaluated: 2016-08-30. Review status: criteria provided, single submitter. Criteria: Athena Diagnostics Criteria. Collection method: clinical testing. Allele origin: germline.